The following is an entry in ClinVar:

ClinVar aggregate classification (germline): Uncertain significance (1 of 4 stars; one submission).

Allele frequency attached by ClinVar (database versions not stated): gnomAD 0.00004; gnomAD exomes below 0.00001; TOPMed 0.00005.
gnomAD v4.1: 11 of 1,611,162 alleles (0.00068%); highest among the groups gnomAD compares: African/African-American, 0.015%; no homozygotes.

Submission:

Labcorp Genetics (formerly Invitae), Labcorp
Classification: Uncertain significance. Last evaluated: 2022-08-10. Review status: criteria provided, single submitter. Criteria: Invitae Variant Classification Sherloc (09022015). Collection method: clinical testing. Allele origin: germline.
Comment: In summary, the available evidence is currently insufficient to determine the role of this variant in disease. Therefore, it has been classified as a Variant of Uncertain Significance. Algorithms developed to predict the effect of missense changes on protein structure and function are either unavailable or do not agree on the potential impact of this missense change (SIFT: "Tolerated"; PolyPhen-2: "Possibly Damaging"; Align-GVGD: "Class C0"). ClinVar contains an entry for this variant (Variation ID: 1485778). This variant has not been reported in the literature in individuals affected with SLC24A1-related conditions. The frequency data for this variant in the population databases is considered unreliable, as metrics indicate poor data quality at this position in the gnomAD database. This sequence change replaces glutamic acid, which is acidic and polar, with glycine, which is neutral and non-polar, at codon 875 of the SLC24A1 protein (p.Glu875Gly).

NM_004727.3(SLC24A1):c.2624A>G (p.Glu875Gly)

Gene: SLC24A1 (solute carrier family 24 member 1; plus strand). Cytogenetic location: 15q22.31.
Variant type: single nucleotide variant.
Coding change: c.2624A>G on transcript NM_004727.3 (MANE Select); coding-DNA position 2624, A replaced by G.
Protein change: p.Glu875Gly; replaces glutamic acid 875 with glycine.
Molecular consequence: missense variant.
Genome position (GRCh38, 1-based): chr15:65,650,773, A>G. VCF-style: chr15-65650773-A-G. GRCh37 (hg19) VCF-style: chr15-65943111-A-G.
Other names: c.605A>G, p.Glu202Gly (NM_001254740.2); c.2624A>G, p.Glu875Gly (NM_001301031.1); c.2570A>G, p.Glu857Gly (NM_001301032.1, NM_001301033.2); short protein forms E202G, E857G, E875G.
Identifiers: ClinVar variation 1485778 (VCV001485778.6), dbSNP rs960563814, ClinGen allele CA271571431.